The following is an entry in ClinVar:

NM_020821.3(VPS13C):c.10523G>C (p.Arg3508Pro)

Gene: VPS13C (vacuolar protein sorting 13 homolog C; minus strand). Cytogenetic location: 15q22.2.
Variant type: single nucleotide variant.
Coding change: c.10523G>C on transcript NM_020821.3 (MANE Select); coding-DNA position 10523, G replaced by C.
Protein change: p.Arg3508Pro; replaces arginine 3508 with proline.
Molecular consequence: missense variant.
Genome position (GRCh38, 1-based): chr15:61,873,301, C>G on the plus strand (G>C on the coding strand, the complement: VPS13C is on the minus strand). VCF-style: chr15-61873301-C-G. GRCh37 (hg19) VCF-style: chr15-62165500-C-G.
Other names: c.10523G>C, p.Arg3508Pro (NM_001018088.3); c.10394G>C, p.Arg3465Pro (NM_017684.5, NM_018080.4); short protein forms R3465P, R3508P.
Identifiers: ClinVar variation 2748940 (VCV002748940.3), dbSNP rs1169734931, ClinGen allele CA392669854.

ClinVar aggregate classification (germline): Uncertain significance (1 of 4 stars; one submission).

Submission:

Labcorp Genetics (formerly Invitae), Labcorp
Classification: Uncertain significance. Last evaluated: 2023-08-01. Review status: criteria provided, single submitter. Criteria: Invitae Variant Classification Sherloc (09022015). Collection method: clinical testing. Allele origin: germline.
Comment: This variant has not been reported in the literature in individuals affected with VPS13C-related conditions. Advanced modeling of protein sequence and biophysical properties (such as structural, functional, and spatial information, amino acid conservation, physicochemical variation, residue mobility, and thermodynamic stability) performed at Invitae indicates that this missense variant is expected to disrupt VPS13C protein function. In summary, the available evidence is currently insufficient to determine the role of this variant in disease. Therefore, it has been classified as a Variant of Uncertain Significance. This variant is not present in population databases (gnomAD no frequency). This sequence change replaces arginine, which is basic and polar, with proline, which is neutral and non-polar, at codon 3508 of the VPS13C protein (p.Arg3508Pro).